The following is an entry in ClinVar:

ClinVar aggregate classification (germline): Uncertain significance (1 of 4 stars; one submission).

Conditions:
Tumor predisposition syndrome 3 (TPDS3). Also called: Glioma susceptibility 9; LONG TELOMERE SYNDROME, POT1-RELATED; POT1 Tumor Predisposition; Melanoma, cutaneous malignant, susceptibility to, 10. Identifiers: Orphanet 618, MedGen C4014476, MONDO:0014368, OMIM 615848.

gnomAD v4.1: 1 of 1,572,512 alleles (0.000064%); highest among the groups gnomAD compares: East Asian, 0.0022%; no homozygotes.

Submission:

Labcorp Genetics (formerly Invitae), Labcorp
Classification: Uncertain significance for Tumor predisposition syndrome 3. Last evaluated: 2020-09-17. Review status: criteria provided, single submitter. Criteria: Invitae Variant Classification Sherloc (09022015). Collection method: clinical testing. Allele origin: germline.
Comment: Algorithms developed to predict the effect of missense changes on protein structure and function do not agree on the potential impact of this missense change (SIFT: "Deleterious"; PolyPhen-2: "Possibly Damaging"; Align-GVGD: "Class C15"). This variant is not present in population databases (ExAC no frequency) and has not been reported in the literature in individuals with a POT1-related disease. This sequence change replaces serine with arginine at codon 237 of the POT1 protein (p.Ser237Arg). The serine residue is highly conserved and there is a moderate physicochemical difference between serine and arginine. In summary, this variant is a novel missense change with uncertain impact on protein function. It has been classified as a Variant of Uncertain Significance.

NM_015450.3(POT1):c.709A>C (p.Ser237Arg)

Gene: POT1 (protection of telomeres 1; minus strand). Cytogenetic location: 7q31.33.
Variant type: single nucleotide variant.
Coding change: c.709A>C on transcript NM_015450.3 (MANE Select); coding-DNA position 709, A replaced by C.
Protein change: p.Ser237Arg; replaces serine 237 with arginine.
Molecular consequence: missense variant. On other transcripts: non-coding transcript variant (3).
Genome position (GRCh38, 1-based): chr7:124,853,132, T>G on the plus strand (A>C on the coding strand, the complement: POT1 is on the minus strand). VCF-style: chr7-124853132-T-G. GRCh37 (hg19) VCF-style: chr7-124493186-T-G.
Other names: c.316A>C, p.Ser106Arg (NM_001042594.2); short protein forms S237R, S106R.
Identifiers: ClinVar variation 475095 (VCV000475095.9), dbSNP rs1554424059, ClinGen allele CA369055758.